The following is an entry in ClinVar:

ClinVar aggregate classification (germline): Uncertain significance. Review status: criteria provided, multiple submitters, no conflicts (2 of 4 stars). 2 submissions from 2 submitters: Uncertain significance (2). Last evaluated 2025-12-05.

Conditions:
Hereditary cancer-predisposing syndrome. Also called: Hereditary Cancer Syndrome; Tumor predisposition; Neoplastic Syndromes, Hereditary; Hereditary neoplastic syndrome. Identifiers: Orphanet 140162, MedGen C0027672, MeSH D009386, MONDO:0015356.
Chuvash polycythemia. Also called: POLYCYTHEMIA, VHL-DEPENDENT. Identifiers: Orphanet 238557, MedGen C1837915, MONDO:0009892, OMIM 263400.
Von Hippel-Lindau syndrome (VHLS). Also called: Von Hippel-Lindau; VHL syndrome; von Hippel–Lindau syndrome. Identifiers: Orphanet 892, MedGen C0019562, MONDO:0008667, OMIM 193300. Disease mechanism: loss of function.

gnomAD v4.1: 2 of 1,534,908 alleles (0.00013%); highest among the groups gnomAD compares: African/African-American, 0.0014%; no homozygotes.

Submissions (2):

Ambry Genetics
Classification: Uncertain significance for Hereditary cancer-predisposing syndrome. Last evaluated: 2025-12-05. Review status: criteria provided, single submitter. Criteria: Ambry Variant Classification Scheme 2023. Collection method: clinical testing. Allele origin: germline.
Comment: The p.D9H variant (also known as c.25G>C), located in coding exon 1 of the VHL gene, results from a G to C substitution at nucleotide position 25. The aspartic acid at codon 9 is replaced by histidine, an amino acid with similar properties. This amino acid position is poorly conserved in available vertebrate species. In addition, this alteration is predicted to be tolerated by in silico analysis. Based on the available evidence, the clinical significance of this variant remains unclear.

Labcorp Genetics (formerly Invitae), Labcorp
Classification: Uncertain significance for Von Hippel-Lindau syndrome; Chuvash polycythemia. Last evaluated: 2025-02-12. Review status: criteria provided, single submitter. Criteria: Invitae Variant Classification Sherloc (09022015). Collection method: clinical testing. Allele origin: germline.
Comment: This sequence change replaces aspartic acid, which is acidic and polar, with histidine, which is basic and polar, at codon 9 of the VHL protein (p.Asp9His). This variant is not present in population databases (gnomAD no frequency). This variant has not been reported in the literature in individuals affected with VHL-related conditions. ClinVar contains an entry for this variant (Variation ID: 651779). Invitae Evidence Modeling of protein sequence and biophysical properties (such as structural, functional, and spatial information, amino acid conservation, physicochemical variation, residue mobility, and thermodynamic stability) indicates that this missense variant is not expected to disrupt VHL protein function with a negative predictive value of 95%. In summary, the available evidence is currently insufficient to determine the role of this variant in disease. Therefore, it has been classified as a Variant of Uncertain Significance.

NM_000551.4(VHL):c.25G>C (p.Asp9His)

Gene: VHL (von Hippel-Lindau tumor suppressor; plus strand). Cytogenetic location: 3p25.3.
Variant type: single nucleotide variant.
Coding change: c.25G>C on transcript NM_000551.4 (MANE Select); coding-DNA position 25, G replaced by C.
Protein change: p.Asp9His; replaces aspartic acid 9 with histidine.
Molecular consequence: missense variant.
Genome position (GRCh38, 1-based): chr3:10,141,872, G>C. VCF-style: chr3-10141872-G-C. GRCh37 (hg19) VCF-style: chr3-10183556-G-C.
Other names: c.25G>C, p.Asp9His (NM_001354723.2, NM_198156.3); short protein forms D9H.
Identifiers: ClinVar variation 651779 (VCV000651779.10), dbSNP rs587780730, ClinGen allele CA351747072.